The following is an entry in ClinVar:

NM_002547.3(OPHN1):c.1714G>A (p.Ala572Thr)

Gene: OPHN1 (oligophrenin 1; minus strand). Cytogenetic location: Xq12.
Variant type: single nucleotide variant.
Coding change: c.1714G>A on transcript NM_002547.3 (MANE Select); coding-DNA position 1714, G replaced by A.
Protein change: p.Ala572Thr; replaces alanine 572 with threonine.
Molecular consequence: missense variant.
Genome position (GRCh38, 1-based): chrX:68,073,272, C>T on the plus strand (G>A on the coding strand, the complement: OPHN1 is on the minus strand). VCF-style: chrX-68073272-C-T. GRCh37 (hg19) VCF-style: chrX-67293114-C-T.
Other names: c.1714G>A, p.Ala572Thr (NM_001437258.1); short protein forms A572T.
Identifiers: ClinVar variation 4737330 (VCV004737330.1).

ClinVar aggregate classification (germline): Uncertain significance (1 of 4 stars; one submission).

gnomAD v4.1: 21 of 1,208,838 alleles (0.0017%); highest among the groups gnomAD compares: African/African-American, 0.0035%; no homozygotes.

Submission:

Labcorp Genetics (formerly Invitae), Labcorp
Classification: Uncertain significance. Last evaluated: 2025-07-06. Review status: criteria provided, single submitter. Criteria: Invitae Variant Classification Sherloc (09022015). Collection method: clinical testing. Allele origin: germline.
Comment: This sequence change replaces alanine, which is neutral and non-polar, with threonine, which is neutral and polar, at codon 572 of the OPHN1 protein (p.Ala572Thr). This variant is present in population databases (no rsID available, gnomAD 0.01%), including at least one homozygous and/or hemizygous individual. This variant has not been reported in the literature in individuals affected with OPHN1-related conditions. An algorithm developed to predict the effect of missense changes on protein structure and function outputs the following: PolyPhen-2: "Benign". The threonine amino acid residue is found in multiple mammalian species, which suggests that this missense change does not adversely affect protein function. In summary, the available evidence is currently insufficient to determine the role of this variant in disease. Therefore, it has been classified as a Variant of Uncertain Significance.